The following is an entry in ClinVar:

ClinVar aggregate classification (germline): Uncertain significance. Review status: criteria provided, multiple submitters, no conflicts (2 of 4 stars). 4 submissions from 4 submitters: Uncertain significance (4). Last evaluated 2025-10-22.

Conditions:
Inborn genetic diseases. Identifiers: MedGen C0950123, MeSH D030342.
Mitochondrial disease. Also called: Mitochondrial disorders; Mitochondrial disorder. Identifiers: Orphanet 68380, MedGen C0751651, MeSH D028361, MONDO:0044970.

Allele frequency attached by ClinVar (database versions not stated): gnomAD exomes 0.00001 and 0.00003; ExAC 0.00003; gnomAD 0.00009 and 0.00012; TOPMed 0.00010; ESP Exome Variant Server 0.00015.
gnomAD v4.1: 35 of 1,611,150 alleles (0.0022%); highest among the groups gnomAD compares: African/African-American, 0.039%; no homozygotes.

Submissions (4):

Ambry Genetics
Classification: Uncertain significance for Inborn genetic diseases. Last evaluated: 2025-10-22. Review status: criteria provided, single submitter. Criteria: Ambry Variant Classification Scheme 2023. Collection method: clinical testing. Allele origin: germline.

Department of Pathology and Laboratory Medicine, Sinai Health System
Classification: Uncertain significance for mitochondrial disease. Last evaluated: 2023-04-03. Review status: criteria provided, single submitter. Criteria: ACMG Guidelines, 2015. Collection method: research. Allele origin: germline.

Labcorp Genetics (formerly Invitae), Labcorp
Classification: Uncertain significance. Last evaluated: 2022-07-03. Review status: criteria provided, single submitter. Criteria: Invitae Variant Classification Sherloc (09022015). Collection method: clinical testing. Allele origin: germline.
Comment: This sequence change replaces alanine, which is neutral and non-polar, with valine, which is neutral and non-polar, at codon 34 of the DGUOK protein (p.Ala34Val). This variant is present in population databases (rs139369863, gnomAD 0.04%). This variant has not been reported in the literature in individuals affected with DGUOK-related conditions. ClinVar contains an entry for this variant (Variation ID: 1191775). Algorithms developed to predict the effect of missense changes on protein structure and function (SIFT, PolyPhen-2, Align-GVGD) all suggest that this variant is likely to be tolerated. In summary, the available evidence is currently insufficient to determine the role of this variant in disease. Therefore, it has been classified as a Variant of Uncertain Significance.

GeneDx
Classification: Uncertain significance. Last evaluated: 2021-06-26. Review status: criteria provided, single submitter. Criteria: GeneDx Variant Classification Process June 2021. Collection method: clinical testing. Allele origin: germline. Affected: yes.
Comment: In silico analysis supports that this missense variant does not alter protein structure/function; Has not been previously published as pathogenic or benign to our knowledge; This variant is associated with the following publications: (PMID: 27535533)

NM_080916.3(DGUOK):c.101C>T (p.Ala34Val)

Genes: DGUOK (deoxyguanosine kinase; plus strand), LOC129934096 (ATAC-STARR-seq lymphoblastoid active region 16036; plus strand). Cytogenetic location: 2p13.1.
Variant type: single nucleotide variant.
Coding change: c.101C>T on transcript NM_080916.3 (MANE Select); coding-DNA position 101, C replaced by T.
Protein change: p.Ala34Val; replaces alanine 34 with valine.
Molecular consequence: missense variant. On other transcripts: 5 prime UTR variant (4), non-coding transcript variant (6).
Genome position (GRCh38, 1-based): chr2:73,927,011, C>T. VCF-style: chr2-73927011-C-T. GRCh37 (hg19) VCF-style: chr2-74154138-C-T.
Other names: c.101C>T, p.Ala34Val (NM_001318859.2, NM_080918.3); c.-78C>T (NM_001318860.2, NM_001318863.2); c.-164C>T (NM_001318861.2, NM_001318862.2); short protein forms A34V.
Identifiers: ClinVar variation 1191775 (VCV001191775.8), dbSNP rs139369863, ClinGen allele CA1718144.